The following is an entry in ClinVar:

ClinVar aggregate classification (germline): Uncertain significance. Review status: criteria provided, multiple submitters, no conflicts (2 of 4 stars). 2 submissions from 2 submitters: Uncertain significance (2). Last evaluated 2025-10-30.

Conditions:
Retinitis pigmentosa 10 (RP10). Identifiers: Orphanet 791, MedGen C1867299, MONDO:0008379, OMIM 180105.

Allele frequency attached by ClinVar (database versions not stated): TOPMed 0.00002; gnomAD 0.00001; gnomAD exomes 0.00001; ExAC 0.00004.

Submissions (2):

Dasa
Classification: Uncertain significance for Retinitis pigmentosa 10. Last evaluated: 2025-10-30. Review status: criteria provided, single submitter. Criteria: DASA Assertion Criteria. Collection method: clinical testing. Allele origin: germline.
Comment: NM_000883.4(IMPDH1):c.1429G>A (p.Ala477Thr) is a missense variant that results in the substitution of alanine with threonine. This variant is rare in population databases. Computational prediction algorithms are consistent with a deleterious effect. The currently available literature and clinical evidence are not sufficient to establish a definitive association between this variant and the reported condition. Therefore, this variant is classified as a variant of uncertain significance.

Labcorp Genetics (formerly Invitae), Labcorp
Classification: Uncertain significance. Last evaluated: 2025-07-02. Review status: criteria provided, single submitter. Criteria: Invitae Variant Classification Sherloc (09022015). Collection method: clinical testing. Allele origin: germline.
Comment: This sequence change replaces alanine, which is neutral and non-polar, with threonine, which is neutral and polar, at codon 477 of the IMPDH1 protein (p.Ala477Thr). This variant is present in population databases (rs769089255, gnomAD 0.01%). This variant has not been reported in the literature in individuals affected with IMPDH1-related conditions. ClinVar contains an entry for this variant (Variation ID: 1954905). An algorithm developed to predict the effect of missense changes on protein structure and function (PolyPhen-2) suggests that this variant is likely to be tolerated. In summary, the available evidence is currently insufficient to determine the role of this variant in disease. Therefore, it has been classified as a Variant of Uncertain Significance.

NM_000883.4(IMPDH1):c.1429G>A (p.Ala477Thr)

Gene: IMPDH1 (inosine monophosphate dehydrogenase 1; minus strand). Cytogenetic location: 7q32.1.
Variant type: single nucleotide variant.
Coding change: c.1429G>A on transcript NM_000883.4 (MANE Select); coding-DNA position 1429, G replaced by A.
Protein change: p.Ala477Thr; replaces alanine 477 with threonine.
Molecular consequence: missense variant.
Genome position (GRCh38, 1-based): chr7:128,395,010, C>T on the plus strand (G>A on the coding strand, the complement: IMPDH1 is on the minus strand). VCF-style: chr7-128395010-C-T. GRCh37 (hg19) VCF-style: chr7-128035064-C-T.
Other names: c.1399G>A, p.Ala467Thr (NM_001102605.2); c.1174G>A, p.Ala392Thr (NM_001142573.2); c.1159G>A, p.Ala387Thr (NM_001142574.2); c.1099G>A, p.Ala367Thr (NM_001142575.2); c.1330G>A, p.Ala444Thr (NM_001142576.2); c.1222G>A, p.Ala408Thr (NM_001304521.2); c.1321G>A, p.Ala441Thr (NM_183243.3); short protein forms A467T, A367T, A408T, A387T, A477T, A441T, A444T, A392T.
Identifiers: ClinVar variation 1954905 (VCV001954905.7), dbSNP rs769089255, ClinGen allele CA4470830.